The following is an entry in ClinVar:

NM_001365999.1(SZT2):c.2936A>G (p.Asp979Gly)

Gene: SZT2 (SZT2 subunit of KICSTOR complex; plus strand). Cytogenetic location: 1p34.2.
Variant type: single nucleotide variant.
Coding change: c.2936A>G on transcript NM_001365999.1 (MANE Select); coding-DNA position 2936, A replaced by G.
Protein change: p.Asp979Gly; replaces aspartic acid 979 with glycine.
Molecular consequence: missense variant.
Genome position (GRCh38, 1-based): chr1:43,426,044, A>G. VCF-style: chr1-43426044-A-G. GRCh37 (hg19) VCF-style: chr1-43891715-A-G.
Other names: c.2936A>G, p.Asp979Gly (NM_015284.4); short protein forms D979G.
Identifiers: ClinVar variation 2173299 (VCV002173299.1), dbSNP rs771530504, ClinGen allele CA808867.

ClinVar aggregate classification (germline): Uncertain significance (1 of 4 stars; one submission).

Allele frequency attached by ClinVar (database versions not stated): TOPMed 0.00001; ExAC 0.00002.
gnomAD v4.1: 5 of 1,613,846 alleles (0.00031%); highest among the groups gnomAD compares: Admixed American, 0.0083%; no homozygotes.

Submission:

Labcorp Genetics (formerly Invitae), Labcorp
Classification: Uncertain significance. Last evaluated: 2022-06-12. Review status: criteria provided, single submitter. Criteria: Invitae Variant Classification Sherloc (09022015). Collection method: clinical testing. Allele origin: germline.
Comment: This sequence change replaces aspartic acid, which is acidic and polar, with glycine, which is neutral and non-polar, at codon 979 of the SZT2 protein (p.Asp979Gly). This variant is present in population databases (rs771530504, gnomAD 0.01%). This variant has not been reported in the literature in individuals affected with SZT2-related conditions. Algorithms developed to predict the effect of missense changes on protein structure and function (SIFT, PolyPhen-2, Align-GVGD) all suggest that this variant is likely to be tolerated. In summary, the available evidence is currently insufficient to determine the role of this variant in disease. Therefore, it has been classified as a Variant of Uncertain Significance.